The following is an entry in ClinVar:

NM_001035.3(RYR2):c.4265A>C (p.Gln1422Pro)

Gene: RYR2 (ryanodine receptor 2; plus strand). Cytogenetic location: 1q43.
Variant type: single nucleotide variant.
Coding change: c.4265A>C on transcript NM_001035.3 (MANE Select); coding-DNA position 4265, A replaced by C.
Protein change: p.Gln1422Pro; replaces glutamine 1422 with proline.
Molecular consequence: missense variant.
Genome position (GRCh38, 1-based): chr1:237,591,843, A>C. VCF-style: chr1-237591843-A-C. GRCh37 (hg19) VCF-style: chr1-237755143-A-C.
Other names: short protein forms Q1422P.
Identifiers: ClinVar variation 1349717 (VCV001349717.9), dbSNP rs2148446764, ClinGen allele CA345398935.

ClinVar aggregate classification (germline): Uncertain significance (1 of 4 stars; one submission).

Conditions:
Catecholaminergic polymorphic ventricular tachycardia 1. Also called: VENTRICULAR TACHYCARDIA, CATECHOLAMINERGIC POLYMORPHIC, 1, WITH OR WITHOUT ATRIAL DYSFUNCTION AND/OR DILATED CARDIOMYOPATHY; VENTRICULAR TACHYCARDIA, STRESS-INDUCED POLYMORPHIC 1; RYR2-Related Catecholaminergic Polymorphic Ventricular Tachycardia. Identifiers: Orphanet 3286, MedGen C1631597, MONDO:0011484, OMIM 604772.

Submission:

Labcorp Genetics (formerly Invitae), Labcorp
Classification: Uncertain significance for Catecholaminergic polymorphic ventricular tachycardia 1. Last evaluated: 2021-04-28. Review status: criteria provided, single submitter. Criteria: Invitae Variant Classification Sherloc (09022015). Collection method: clinical testing. Allele origin: germline.
Comment: In summary, the available evidence is currently insufficient to determine the role of this variant in disease. Therefore, it has been classified as a Variant of Uncertain Significance. Advanced modeling of protein sequence and biophysical properties (such as structural, functional, and spatial information, amino acid conservation, physicochemical variation, residue mobility, and thermodynamic stability) performed at Invitae indicates that this missense variant is not expected to disrupt RYR2 protein function. This variant has not been reported in the literature in individuals with RYR2-related conditions. This variant is not present in population databases (ExAC no frequency). This sequence change replaces glutamine with proline at codon 1422 of the RYR2 protein (p.Gln1422Pro). The glutamine residue is highly conserved and there is a moderate physicochemical difference between glutamine and proline.